The following is an entry in ClinVar:

ClinVar aggregate classification (germline): Uncertain significance. Review status: criteria provided, multiple submitters, no conflicts (2 of 4 stars). 2 submissions from 2 submitters: Uncertain significance (2). Last evaluated 2025-11-03.

Conditions:
Inborn genetic diseases. Identifiers: MedGen C0950123, MeSH D030342.

Allele frequency attached by ClinVar (database versions not stated): gnomAD 0.00001.
gnomAD v4.1: 2 of 1,613,650 alleles (0.00012%); no homozygotes.

Submissions (2):

Ambry Genetics
Classification: Uncertain significance for Inborn genetic diseases. Last evaluated: 2025-11-03. Review status: criteria provided, single submitter. Criteria: Ambry Variant Classification Scheme 2023. Collection method: clinical testing. Allele origin: germline.

Labcorp Genetics (formerly Invitae), Labcorp
Classification: Uncertain significance. Last evaluated: 2021-12-19. Review status: criteria provided, single submitter. Criteria: Invitae Variant Classification Sherloc (09022015). Collection method: clinical testing. Allele origin: germline.
Comment: This sequence change replaces valine, which is neutral and non-polar, with isoleucine, which is neutral and non-polar, at codon 277 of the OSTM1 protein (p.Val277Ile). This variant is not present in population databases (gnomAD no frequency). This variant has not been reported in the literature in individuals affected with OSTM1-related conditions. Algorithms developed to predict the effect of missense changes on protein structure and function (SIFT, PolyPhen-2, Align-GVGD) all suggest that this variant is likely to be tolerated. In summary, the available evidence is currently insufficient to determine the role of this variant in disease. Therefore, it has been classified as a Variant of Uncertain Significance.

NM_014028.4(OSTM1):c.829G>A (p.Val277Ile)

Gene: OSTM1 (osteoclastogenesis associated transmembrane protein 1; minus strand). Cytogenetic location: 6q21.
Variant type: single nucleotide variant.
Coding change: c.829G>A on transcript NM_014028.4 (MANE Select); coding-DNA position 829, G replaced by A.
Protein change: p.Val277Ile; replaces valine 277 with isoleucine.
Molecular consequence: missense variant.
Genome position (GRCh38, 1-based): chr6:108,049,373, C>T on the plus strand (G>A on the coding strand, the complement: OSTM1 is on the minus strand). VCF-style: chr6-108049373-C-T. GRCh37 (hg19) VCF-style: chr6-108370577-C-T.
Other names: c.829G>A (NM_014028.3); short protein forms V277I.
Identifiers: ClinVar variation 1523581 (VCV001523581.7), dbSNP rs145217113, ClinGen allele CA365327319.